The following is an entry in ClinVar:

NM_000548.5(TSC2):c.5041A>G (p.Asn1681Asp)

Gene: TSC2 (TSC complex subunit 2; plus strand). Cytogenetic location: 16p13.3.
Variant type: single nucleotide variant.
Coding change: c.5041A>G on transcript NM_000548.5 (MANE Select); coding-DNA position 5041, A replaced by G.
Protein change: p.Asn1681Asp; replaces asparagine 1681 with aspartic acid.
Molecular consequence: missense variant.
Genome position (GRCh38, 1-based): chr16:2,087,914, A>G. VCF-style: chr16-2087914-A-G. GRCh37 (hg19) VCF-style: chr16-2137915-A-G.
Other names: c.4840A>G, p.Asn1614Asp (NM_001077183.3); c.4972A>G, p.Asn1658Asp (NM_001114382.3); c.4732A>G, p.Asn1578Asp (NM_001318827.2); c.4696A>G, p.Asn1566Asp (NM_001318829.2); c.4309A>G, p.Asn1437Asp (NM_001318831.2); c.4873A>G, p.Asn1625Asp (NM_001318832.2); c.4843A>G, p.Asn1615Asp (NM_001363528.2); c.4909A>G, p.Asn1637Asp (NM_001370404.1); and 1 more; short protein forms N1681D, N1566D, N1625D, N1658D, N1638D, N1614D, N1437D, N1578D.
Identifiers: ClinVar variation 486644 (VCV000486644.21), dbSNP rs1200837034, ClinGen allele CA394311437.

ClinVar aggregate classification (germline): Conflicting classifications of pathogenicity. Review status: criteria provided, conflicting classifications (1 of 4 stars). 5 submissions from 5 submitters: Uncertain significance (3); Benign (1); Likely benign (1). Last evaluated 2025-12-11.

Conditions:
Hereditary cancer-predisposing syndrome. Also called: Tumor predisposition; Neoplastic Syndromes, Hereditary; Hereditary Cancer Syndrome; Hereditary neoplastic syndrome. Identifiers: Orphanet 140162, MedGen C0027672, MeSH D009386, MONDO:0015356.
Isolated focal cortical dysplasia type II (FCORD2). Also called: CORTICAL DYSPLASIA OF TAYLOR; Focal cortical dysplasia type II. Identifiers: Orphanet 268994, MedGen C1846385, MONDO:0011818, OMIM 607341, HP:0032051.
Tuberous sclerosis 2 (TSC2). Identifiers: Orphanet 805, MedGen C1860707, MONDO:0013199, OMIM 613254.

Allele frequency attached by ClinVar (database versions not stated): gnomAD 0.00003.

Submissions (5):

Ambry Genetics
Classification: Likely benign for Hereditary cancer-predisposing syndrome. Last evaluated: 2025-12-11. Review status: criteria provided, single submitter. Criteria: Ambry Variant Classification Scheme 2023. Collection method: clinical testing. Allele origin: germline.

Labcorp Genetics (formerly Invitae), Labcorp
Classification: Benign for Tuberous sclerosis 2. Last evaluated: 2025-07-10. Review status: criteria provided, single submitter. Criteria: Invitae Variant Classification Sherloc (09022015). Collection method: clinical testing. Allele origin: germline.

Baylor Genetics
Classification: Uncertain significance for Isolated focal cortical dysplasia type II. Last evaluated: 2023-09-13. Review status: criteria provided, single submitter. Criteria: ACMG Guidelines, 2015. Collection method: clinical testing. Allele origin: unknown.

Genome-Nilou Lab
Classification: Uncertain significance for Tuberous sclerosis 2. Last evaluated: 2021-11-07. Review status: criteria provided, single submitter. Criteria: ACMG Guidelines, 2015. Collection method: clinical testing. Allele origin: germline. Affected: no.

GeneDx
Classification: Uncertain significance. Last evaluated: 2021-04-26. Review status: criteria provided, single submitter. Criteria: GeneDx Variant Classification Process June 2021. Collection method: clinical testing. Allele origin: germline. Affected: yes.
Comment: In silico analysis supports that this missense variant has a deleterious effect on protein structure/function; Has not been previously published as pathogenic or benign to our knowledge